The following is an entry in ClinVar:

ClinVar aggregate classification (germline): Benign. Review status: criteria provided, multiple submitters, no conflicts (2 of 4 stars). 14 submissions from 14 submitters: Benign (10). 4 of the submissions do not count toward it. Last evaluated 2026-06-22.

Conditions:
Primary hyperoxaluria type 3. Also called: PH III. Identifiers: Orphanet 416, Orphanet 93600, MedGen C3150878, MONDO:0013327, OMIM 613616. Disease mechanism: loss of function.

Allele frequency attached by ClinVar (database versions not stated): gnomAD 0.29673 and 0.30066; gnomAD exomes 0.30103 and 0.30392; ESP Exome Variant Server 0.30148; TOPMed 0.30212; ExAC 0.30764; 1000 Genomes Project 30x 0.31387; 1000 Genomes Project 0.31749.
gnomAD v4.1: 491,057 of 1,613,966 alleles (30%); highest among the groups gnomAD compares: East Asian, 41%; 76,576 homozygotes.

Submissions (14):

Women's Health and Genetics/Laboratory Corporation of America, LabCorp
Classification: Benign. Last evaluated: 2026-06-22. Review status: criteria provided, single submitter. Criteria: LabCorp Variant Classification Summary - May 2015. Collection method: clinical testing. Allele origin: germline.

Labcorp Genetics (formerly Invitae), Labcorp
Classification: Benign. Last evaluated: 2026-02-04. Review status: criteria provided, single submitter. Criteria: Invitae Variant Classification Sherloc (09022015). Collection method: clinical testing. Allele origin: germline.

Blueprint Genetics
Classification: Benign. Last evaluated: 2024-11-27. Review status: criteria provided, single submitter. Criteria: ACMG Guidelines, 2015. Collection method: clinical testing. Allele origin: germline.

Mayo Clinic Laboratories, Mayo Clinic
Classification: Benign. Last evaluated: 2022-03-09. Review status: criteria provided, single submitter. Criteria: ACMG Guidelines, 2015. Collection method: clinical testing. Allele origin: germline. Observed: 97 variant alleles.

Genome-Nilou Lab
Classification: Benign for Primary hyperoxaluria type 3. Last evaluated: 2021-08-10. Review status: criteria provided, single submitter. Criteria: ACMG Guidelines, 2015. Collection method: clinical testing. Allele origin: germline. Affected: no.

Pars Genome Lab
Classification: Benign for Primary hyperoxaluria type 3. Last evaluated: 2021-05-18. Review status: criteria provided, single submitter. Criteria: ACMG Guidelines, 2015. Collection method: clinical testing. Allele origin: germline. Affected: no.

GeneDx
Classification: Benign. Last evaluated: 2018-08-06. Review status: criteria provided, single submitter. Criteria: GeneDx Variant Classification Process June 2021. Collection method: clinical testing. Allele origin: germline. Affected: yes.

Illumina Laboratory Services, Illumina
Classification: Benign for Primary hyperoxaluria type 3. Last evaluated: 2018-01-13. Review status: criteria provided, single submitter. Criteria: ICSL Variant Classification Criteria 13 December 2019. Collection method: clinical testing. Allele origin: germline.
Comment: This variant was observed in the ICSL laboratory as part of a predisposition screen in an ostensibly healthy population. It had not been previously curated by ICSL or reported in the Human Gene Mutation Database (HGMD: prior to June 1st, 2018), and was therefore a candidate for classification through an automated scoring system. Utilizing variant allele frequency, disease prevalence and penetrance estimates, and inheritance mode, an automated score was calculated to assess if this variant is too frequent to cause the disease. Based on the score and internal cut-off values, a variant classified as benign is not then subjected to further curation. The score for this variant resulted in a classification of benign for this disease.

Laboratory for Molecular Medicine, Mass General Brigham Personalized Medicine
Classification: Benign. Last evaluated: 2016-02-02. Review status: criteria provided, single submitter. Criteria: LMM Criteria. Collection method: clinical testing. Allele origin: germline. Observed: 1 variant allele.
Comment: p.Ala304Ala in exon 7 of HOGA1: This variant is not expected to have clinical si gnificance because it does not alter an amino acid residue, is not located withi n the splice consensus sequence, and has been identified in 39.9% (6581/16500) o f South Asian chromosomes by the Exome Aggregation Consortium (ExAC .; dbSNP rs12261752).

Breakthrough Genomics
Classification: Benign. Review status: criteria provided, single submitter. Criteria: ACMG Guidelines, 2015. Collection method: not provided. Allele origin: germline. Inheritance: Autosomal recessive inheritance. Affected: yes.

Natera, Inc.
Classification: Benign for Primary hyperoxaluria type III. Last evaluated: 2020-09-16. Review status: no assertion criteria provided. Collection method: clinical testing. Allele origin: germline. Not counted in ClinVar's aggregate classification.

Clinical Biochemistry Laboratory, Health Services Laboratory
Classification: Uncertain significance for Primary hyperoxaluria, type III. Last evaluated: 2014-11-27. Review status: no assertion criteria provided. Collection method: research. Allele origin: germline. Affected: yes. Not counted in ClinVar's aggregate classification.

Diagnostic Laboratory, Department of Genetics, University Medical Center Groningen
Classification: Benign. Review status: no assertion criteria provided. Collection method: clinical testing. Allele origin: germline. Affected: yes. Study: VKGL Data-share Consensus. Not counted in ClinVar's aggregate classification.

Joint Genome Diagnostic Labs from Nijmegen and Maastricht, Radboudumc and MUMC+
Classification: Benign. Review status: no assertion criteria provided. Collection method: clinical testing. Allele origin: germline. Affected: yes. Study: VKGL Data-share Consensus. Not counted in ClinVar's aggregate classification.

NM_138413.4(HOGA1):c.912C>A (p.Ala304=)

Gene: HOGA1 (4-hydroxy-2-oxoglutarate aldolase 1; plus strand). Cytogenetic location: 10q24.2.
Variant type: single nucleotide variant.
Coding change: c.912C>A on transcript NM_138413.4 (MANE Select); coding-DNA position 912, C replaced by A.
Protein change: p.Ala304=; no amino-acid change (alanine 304 retained).
Molecular consequence: synonymous variant.
Genome position (GRCh38, 1-based): chr10:97,611,587, C>A. VCF-style: chr10-97611587-C-A. GRCh37 (hg19) VCF-style: chr10-99371344-C-A.
Other names: p.Ala304=; c.423C>A, p.Ala141= (NM_001134670.2).
Identifiers: ClinVar variation 204264 (VCV000204264.31), dbSNP rs12261752, ClinGen allele CA203934.